The following is an entry in ClinVar:

ClinVar aggregate classification (germline): Likely benign (1 of 4 stars; one submission).

Allele frequency attached by ClinVar (database versions not stated): ExAC 0.00002; gnomAD 0.00003; gnomAD exomes 0.00003; TOPMed 0.00005.
gnomAD v4.1: 42 of 1,614,034 alleles (0.0026%); highest among the groups gnomAD compares: Middle Eastern, 0.016%; no homozygotes.

Submission:

CeGaT Center for Human Genetics Tuebingen
Classification: Likely benign. Last evaluated: 2022-07-01. Review status: criteria provided, single submitter. Criteria: CeGaT Center For Human Genetics Tuebingen Variant Classification Criteria Version 2. Collection method: clinical testing. Allele origin: germline. Affected: yes. Observed: 1 variant allele.
Comment: RACGAP1: BP4, BP7

NM_001319999.2(RACGAP1):c.1419A>G (p.Leu473=)

Gene: RACGAP1 (Rac GTPase activating protein 1; minus strand). Cytogenetic location: 12q13.12.
Variant type: single nucleotide variant.
Coding change: c.1419A>G on transcript NM_001319999.2 (MANE Select); coding-DNA position 1419, A replaced by G.
Protein change: p.Leu473=; no amino-acid change (leucine 473 retained).
Molecular consequence: synonymous variant.
Genome position (GRCh38, 1-based): chr12:49,992,576, T>C on the plus strand (A>G on the coding strand, the complement: RACGAP1 is on the minus strand). VCF-style: chr12-49992576-T-C. GRCh37 (hg19) VCF-style: chr12-50386359-T-C.
Other names: c.1419A>G, p.Leu473= (NM_001320001.2, NM_001320002.2, NM_001320003.2 and 5 more transcripts); c.1245A>G, p.Leu415= (NM_001320005.2); c.1455A>G, p.Leu485= (NM_001320006.2); c.1197A>G, p.Leu399= (NM_001320007.2).
Identifiers: ClinVar variation 2642973 (VCV002642973.24), dbSNP rs747785439, ClinGen allele CA6560090.
Genomic context (GRCh38, chr12:49,992,576, plus strand): 5'-CCTAACTCCCAGAACAAGTTTCTGCTGTACTCACCTCTGCAAGTGAATCATGAGGAAAGC[T>C]AATGTGTCCCTGTTGGCCTGGGGCAGTTCACCAACAGCTTGGTACATGGCAGCTATGCTG-3'
Protein context (NP_001306928.1, residues 463-483): GELPQANRDT[Leu473=]AFLMIHLQRV